The following is an entry in ClinVar:

NM_032387.5(WNK4):c.1564G>T (p.Glu522Ter)

Gene: WNK4 (WNK lysine deficient protein kinase 4; plus strand). Cytogenetic location: 17q21.2.
Variant type: single nucleotide variant.
Coding change: c.1564G>T on transcript NM_032387.5 (MANE Select); coding-DNA position 1564, G replaced by T.
Protein change: p.Glu522Ter; replaces glutamic acid 522 with a stop codon.
Molecular consequence: nonsense.
Genome position (GRCh38, 1-based): chr17:42,787,365, G>T. VCF-style: chr17-42787365-G-T. GRCh37 (hg19) VCF-style: chr17-40939383-G-T.
Other names: c.556G>T, p.Glu186Ter (NM_001321299.2); short protein forms E186*, E522*.
Identifiers: ClinVar variation 2707248 (VCV002707248.3), dbSNP rs769249445, ClinGen allele CA8584025.

ClinVar aggregate classification (germline): Uncertain significance (1 of 4 stars; one submission).

Allele frequency attached by ClinVar (database versions not stated): ExAC 0.00001.
gnomAD v4.1: 1 of 1,614,198 alleles (0.000062%); highest among the groups gnomAD compares: East Asian, 0.0022%; no homozygotes.

Submission:

Labcorp Genetics (formerly Invitae), Labcorp
Classification: Uncertain significance. Last evaluated: 2023-07-03. Review status: criteria provided, single submitter. Criteria: Invitae Variant Classification Sherloc (09022015). Collection method: clinical testing. Allele origin: germline.
Comment: In summary, the available evidence is currently insufficient to determine the role of this variant in disease. Therefore, it has been classified as a Variant of Uncertain Significance. This variant has not been reported in the literature in individuals affected with WNK4-related conditions. This variant is present in population databases (rs769249445, gnomAD 0.006%). This sequence change creates a premature translational stop signal (p.Glu522*) in the WNK4 gene. It is expected to result in an absent or disrupted protein product. However, the current clinical and genetic evidence is not sufficient to establish whether loss-of-function variants in WNK4 cause disease.